The following is an entry in ClinVar:

NM_003482.4(KMT2D):c.13319T>G (p.Ile4440Arg)

Gene: KMT2D (lysine methyltransferase 2D; minus strand). Cytogenetic location: 12q13.12.
Variant type: single nucleotide variant.
Coding change: c.13319T>G on transcript NM_003482.4 (MANE Select); coding-DNA position 13319, T replaced by G.
Protein change: p.Ile4440Arg; replaces isoleucine 4440 with arginine.
Molecular consequence: missense variant.
Genome position (GRCh38, 1-based): chr12:49,031,386, A>C on the plus strand (T>G on the coding strand, the complement: KMT2D is on the minus strand). VCF-style: chr12-49031386-A-C. GRCh37 (hg19) VCF-style: chr12-49425169-A-C.
Other names: short protein forms I4440R.
Identifiers: ClinVar variation 3635105 (VCV003635105.2).

ClinVar aggregate classification (germline): Uncertain significance (1 of 4 stars; one submission).

Conditions:
Kabuki syndrome. Also called: NIIKAWA-KUROKI SYNDROME; Kabuki make-up syndrome. Identifiers: Orphanet 2322, MedGen C0796004, MONDO:0016512.

Submission:

Labcorp Genetics (formerly Invitae), Labcorp
Classification: Uncertain significance for Kabuki syndrome. Last evaluated: 2024-09-19. Review status: criteria provided, single submitter. Criteria: Invitae Variant Classification Sherloc (09022015). Collection method: clinical testing. Allele origin: germline.
Comment: This sequence change replaces isoleucine, which is neutral and non-polar, with arginine, which is basic and polar, at codon 4440 of the KMT2D protein (p.Ile4440Arg). This variant is not present in population databases (gnomAD no frequency). This variant has not been reported in the literature in individuals affected with KMT2D-related conditions. Invitae Evidence Modeling of protein sequence and biophysical properties (such as structural, functional, and spatial information, amino acid conservation, physicochemical variation, residue mobility, and thermodynamic stability) indicates that this missense variant is not expected to disrupt KMT2D protein function with a negative predictive value of 95%. In summary, the available evidence is currently insufficient to determine the role of this variant in disease. Therefore, it has been classified as a Variant of Uncertain Significance.